The following is an entry in ClinVar:

NM_016089.3(ZNF589):c.874C>T (p.Arg292Cys)

Gene: ZNF589 (zinc finger protein 589; plus strand). Cytogenetic location: 3p21.31.
Variant type: single nucleotide variant.
Coding change: c.874C>T on transcript NM_016089.3 (MANE Select); coding-DNA position 874, C replaced by T.
Protein change: p.Arg292Cys; replaces arginine 292 with cysteine.
Molecular consequence: missense variant.
Genome position (GRCh38, 1-based): chr3:48,268,565, C>T. VCF-style: chr3-48268565-C-T. GRCh37 (hg19) VCF-style: chr3-48310055-C-T.
Other names: short protein forms R292C.
Identifiers: ClinVar variation 3045016 (VCV003045016.2), dbSNP rs71323392, ClinGen allele CA2372712.
Genomic context (GRCh38, chr3:48,268,565, plus strand): 5'-GGAGAAAAGCCTTATGTCTGCGGAGAGTGTGGGCGAGGCTTTATAGTTGAGTCAGTCCTC[C>T]GCAACCACCTGAGTACACACTCCGGGGAGAAACCTTATGTGTGCAGCCATTGTGGGCGAG-3'
Protein context (NP_057173.2, residues 282-302): GRGFIVESVL[Arg292Cys]NHLSTHSGEK

ClinVar aggregate classification (germline): Likely benign (0 of 4 stars; one submission).

Conditions:
ZNF589-related disorder. Also called: ZNF589-related condition.

Allele frequency attached by ClinVar (database versions not stated): 1000 Genomes Project 0.00040; TOPMed 0.00043; ESP Exome Variant Server 0.00046; 1000 Genomes Project 30x 0.00047; gnomAD 0.00061; gnomAD exomes 0.00073; ExAC 0.00126.
gnomAD v4.1: 1,143 of 1,612,556 alleles (0.071%); highest among the groups gnomAD compares: Non-Finnish European, 0.085%; 2 homozygotes.

Submission:

PreventionGenetics, part of Exact Sciences
Classification: Likely benign for ZNF589-related condition. Last evaluated: 2022-04-28. Review status: no assertion criteria provided. Collection method: clinical testing. Allele origin: germline.
Comment: This variant is classified as likely benign based on ACMG/AMP sequence variant interpretation guidelines (Richards et al. 2015 PMID: 25741868, with internal and published modifications).